The following is an entry in ClinVar:

NM_001198.4(PRDM1):c.2312G>A (p.Gly771Asp)

Gene: PRDM1 (PR/SET domain 1; plus strand). Cytogenetic location: 6q21.
Variant type: single nucleotide variant.
Coding change: c.2312G>A on transcript NM_001198.4 (MANE Select); coding-DNA position 2312, G replaced by A.
Protein change: p.Gly771Asp; replaces glycine 771 with aspartic acid.
Molecular consequence: missense variant.
Genome position (GRCh38, 1-based): chr6:106,107,320, G>A. VCF-style: chr6-106107320-G-A. GRCh37 (hg19) VCF-style: chr6-106555195-G-A.
Other names: c.1910G>A, p.Gly637Asp (NM_182907.3); short protein forms G771D, G637D.
Identifiers: ClinVar variation 135091 (VCV000135091.1), dbSNP rs80257572, ClinGen allele CA161648.

ClinVar aggregate classification (germline): not provided (0 of 4 stars; one submission).

Allele frequency attached by ClinVar (database versions not stated): gnomAD exomes 0.00119 and 0.00272; ExAC 0.00305; gnomAD 0.00822 and 0.00885; 1000 Genomes Project 30x 0.00890; 1000 Genomes Project 0.00919; TOPMed 0.00928; ESP Exome Variant Server 0.00930.
gnomAD v4.1: 3,078 of 1,614,068 alleles (0.19%); highest among the groups gnomAD compares: African/African-American, 2.7%; 30 homozygotes.

Submission:

ITMI
No classification provided. Condition: AllHighlyPenetrant. Last evaluated: 2013-09-19. Review status: no classification provided. Collection method: reference population. Allele origin: germline.
Comment: Please see associated publication for description of ethnicities

Literature cited by the submitters: PubMed 24728327.